The following is an entry in ClinVar:

ClinVar aggregate classification (germline): Uncertain significance (1 of 4 stars; one submission).

Conditions:
Inborn genetic diseases. Identifiers: MedGen C0950123, MeSH D030342.

Submission:

Ambry Genetics
Classification: Uncertain significance for Inborn genetic diseases. Last evaluated: 2026-03-23. Review status: criteria provided, single submitter. Criteria: Ambry Variant Classification Scheme 2023. Collection method: clinical testing. Allele origin: germline.
Comment: The p.F225L variant (also known as c.673T>C), located in coding exon 3 of the MBD4 gene, results from a T to C substitution at nucleotide position 673. The phenylalanine at codon 225 is replaced by leucine, an amino acid with highly similar properties. This amino acid position is conserved. In addition, this alteration is predicted to be tolerated by in silico analysis. Based on the available evidence, the clinical significance of this variant remains unclear.

NM_001276270.2(MBD4):c.673T>C (p.Phe225Leu)

Gene: MBD4 (methyl-CpG binding domain 4, DNA glycosylase; minus strand). Cytogenetic location: 3q21.3.
Variant type: single nucleotide variant.
Coding change: c.673T>C on transcript NM_001276270.2 (MANE Select); coding-DNA position 673, T replaced by C.
Protein change: p.Phe225Leu; replaces phenylalanine 225 with leucine.
Molecular consequence: missense variant. On other transcripts: intron variant (1).
Genome position (GRCh38, 1-based): chr3:129,436,971, A>G on the plus strand (T>C on the coding strand, the complement: MBD4 is on the minus strand). VCF-style: chr3-129436971-A-G. GRCh37 (hg19) VCF-style: chr3-129155814-A-G.
Other names: c.673T>C, p.Phe225Leu (NM_001276271.2, NM_001276272.2, NM_003925.3); c.247+837T>C (NM_001276273.2); short protein forms F225L.
Identifiers: ClinVar variation 4859562 (VCV004859562.1).